The following is an entry in ClinVar:

ClinVar aggregate classification (germline): Uncertain significance (1 of 4 stars; one submission).

Conditions:
Nephronophthisis 15 (NPHP15). Identifiers: Orphanet 3156, MedGen C3541853, MONDO:0013917, OMIM 614845.

Allele frequency attached by ClinVar (database versions not stated): gnomAD exomes below 0.00001; gnomAD 0.00001; TOPMed 0.00001.
gnomAD v4.1: 5 of 1,613,814 alleles (0.00031%); highest among the groups gnomAD compares: East Asian, 0.011%; no homozygotes.

Submission:

Labcorp Genetics (formerly Invitae), Labcorp
Classification: Uncertain significance for Nephronophthisis 15. Last evaluated: 2022-08-31. Review status: criteria provided, single submitter. Criteria: Invitae Variant Classification Sherloc (09022015). Collection method: clinical testing. Allele origin: germline.
Comment: This variant is present in population databases (no rsID available, gnomAD 0.06%). This sequence change replaces isoleucine, which is neutral and non-polar, with asparagine, which is neutral and polar, at codon 1155 of the CEP164 protein (p.Ile1155Asn). This variant has not been reported in the literature in individuals affected with CEP164-related conditions. In summary, the available evidence is currently insufficient to determine the role of this variant in disease. Therefore, it has been classified as a Variant of Uncertain Significance. Algorithms developed to predict the effect of missense changes on protein structure and function (SIFT, PolyPhen-2, Align-GVGD) all suggest that this variant is likely to be tolerated. ClinVar contains an entry for this variant (Variation ID: 1431844).

NM_014956.5(CEP164):c.3464T>A (p.Ile1155Asn)

Gene: CEP164 (centrosomal protein 164; plus strand). Cytogenetic location: 11q23.3.
Variant type: single nucleotide variant.
Coding change: c.3464T>A on transcript NM_014956.5 (MANE Select); coding-DNA position 3464, T replaced by A.
Protein change: p.Ile1155Asn; replaces isoleucine 1155 with asparagine.
Molecular consequence: missense variant.
Genome position (GRCh38, 1-based): chr11:117,397,276, T>A. VCF-style: chr11-117397276-T-A. GRCh37 (hg19) VCF-style: chr11-117267992-T-A.
Other names: c.3473T>A, p.Ile1158Asn (NM_001271933.2); short protein forms I1158N, I1155N.
Identifiers: ClinVar variation 1431844 (VCV001431844.6), dbSNP rs1341181625, ClinGen allele CA382736973.
Genomic context (GRCh38, chr11:117,397,276, plus strand): 5'-AGCAGCATTGGCGCCATGAGCTGGCCAGTGCGCAGGAGGTGGCCAAAGACCCACCAGGCA[T>A]CAAGGCCCTGGAAGATATGCGCAAGAACCTGGAGAAGGTCAGGAGCTTTGGGAAGGGCCT-3'
Protein context (NP_055771.4, residues 1145-1165): AQEVAKDPPG[Ile1155Asn]KALEDMRKNL